The following is an entry in ClinVar:

GRCh37/hg19 1q21.3(chr1:152203257-152318885)x1

Gene: FLG (filaggrin; minus strand). Cytogenetic location: 1q21.3.
Variant type: copy number loss.
Change: copy number 1 (one copy instead of two) of chr1:152,203,257-152,318,885 (115.6 kb, GRCh37 coordinates, 1-based), cytogenetic band 1q21.3.
Identifiers: ClinVar variation 2685666 (VCV002685666.2).

ClinVar aggregate classification (germline): Pathogenic (1 of 4 stars; one submission).

Submission:

Quest Diagnostics Nichols Institute San Juan Capistrano
Classification: Pathogenic. Last evaluated: 2026-06-05. Review status: criteria provided, single submitter. Criteria: ACMG/ClinGen CNV Guidelines, 2019. Collection method: clinical testing. Allele origin: unknown.
Comment: This deletion involves the gene FLG (OMIM 135940). Haploinsufficiency of FLG has been associated with an autosomal dominant susceptibility to skin disorders such as atopic dermatitis (OMIM 605803) or ichthyosis vulgaris (OMIM 146700), and susceptibility to other conditions such as allergies and asthma (CCID:007145). Additionally, biallelic variants of FLG have been associated with an autosomal recessive more severe presentation of ichthyosis vulgaris. A partial deletion of FLG has been reported in an individual with unspecified neurodevelopmental disorder (Cao 2022). There are no similar copy number losses spanning this region in the general populations of the Database of Genomic Variants. Thus, based on current medical literature, this copy number variant (CNV) is classified as pathogenic with incomplete penetrance.

Literature cited by the submitters: PubMed 35495136.